The following is an entry in ClinVar:

ClinVar aggregate classification (germline): Uncertain significance (1 of 4 stars; one submission).

Submission:

GeneDx
Classification: Uncertain significance. Last evaluated: 2024-10-13. Review status: criteria provided, single submitter. Criteria: GeneDx Variant Classification Process June 2021. Collection method: clinical testing. Allele origin: germline. Affected: yes.
Comment: Not observed at significant frequency in large population cohorts (gnomAD); In silico analysis supports that this missense variant has a deleterious effect on protein structure/function; Has not been previously published as pathogenic or benign to our knowledge; Variants in candidate genes are classified as variants of uncertain significance in accordance with ACMG guidelines (PMID: 25741868)

NM_001003699.4(RREB1):c.3188C>T (p.Pro1063Leu)

Gene: RREB1 (ras responsive element binding protein 1; plus strand). Cytogenetic location: 6p24.3.
Variant type: single nucleotide variant.
Coding change: c.3188C>T on transcript NM_001003699.4 (MANE Select); coding-DNA position 3188, C replaced by T.
Protein change: p.Pro1063Leu; replaces proline 1063 with leucine.
Molecular consequence: missense variant.
Genome position (GRCh38, 1-based): chr6:7,231,287, C>T. VCF-style: chr6-7231287-C-T. GRCh37 (hg19) VCF-style: chr6-7231520-C-T.
Other names: c.3188C>T, p.Pro1063Leu (NM_001003698.4, NM_001003700.2, NM_001168344.2); short protein forms P1063L.
Identifiers: ClinVar variation 4055812 (VCV004055812.1).